The following is an entry in ClinVar:

NM_153717.3(EVC):c.*2125T>G

Gene: EVC (EvC ciliary complex subunit 1; plus strand). Cytogenetic location: 4p16.2.
Variant type: single nucleotide variant.
Coding change: c.*2125T>G on transcript NM_153717.3 (MANE Select); 2125 bases downstream of the stop codon, T replaced by G.
Molecular consequence: 3 prime UTR variant.
Genome position (GRCh38, 1-based): chr4:5,813,162, T>G. VCF-style: chr4-5813162-T-G. GRCh37 (hg19) VCF-style: chr4-5814889-T-G.
Other names: c.*2125T>G (NM_001306090.2).
Identifiers: ClinVar variation 349263 (VCV000349263.5), dbSNP rs139771274, ClinGen allele CA10621406.

ClinVar aggregate classification (germline): Likely benign (1 of 4 stars; one submission).

Conditions:
Ellis-van Creveld syndrome (EVC). Also called: EVC-Related Ellis-van Creveld Syndrome; EVC2-Related Ellis-van Creveld Syndrome; MESOECTODERMAL DYSPLASIA; Chondroectodermal dysplasia. Identifiers: Orphanet 289, MedGen C0013903, MONDO:0009162, OMIM 225500.

Allele frequency attached by ClinVar (database versions not stated): gnomAD 0.00033 and 0.00044; TOPMed 0.00047; 1000 Genomes Project 30x 0.00187; 1000 Genomes Project 0.00220.

Submission:

Illumina Laboratory Services, Illumina
Classification: Likely benign for Ellis-van Creveld syndrome. Last evaluated: 2018-01-13. Review status: criteria provided, single submitter. Criteria: ICSL Variant Classification Criteria 13 December 2019. Collection method: clinical testing. Allele origin: germline.
Comment: This variant was observed in the ICSL laboratory as part of a predisposition screen in an ostensibly healthy population. It had not been previously curated by ICSL or reported in the Human Gene Mutation Database (HGMD: prior to June 1st, 2018), and was therefore a candidate for classification through an automated scoring system. Utilizing variant allele frequency, disease prevalence and penetrance estimates, and inheritance mode, an automated score was calculated to assess if this variant is too frequent to cause the disease. Based on the score and internal cut-off values, a variant classified as likely benign is not then subjected to further curation. The score for this variant resulted in a classification of likely benign for this disease.